The following is an entry in ClinVar:

ClinVar aggregate classification (germline): Benign/Likely benign. Review status: criteria provided, multiple submitters, no conflicts (2 of 4 stars). 4 submissions from 4 submitters: Benign (2); Likely benign (1). 1 of the submissions does not count toward it. Last evaluated 2024-11-11.

Conditions:
CHN1-related disorder. Also called: CHN1-related condition.

Allele frequency attached by ClinVar (database versions not stated): gnomAD 0.00208 and 0.00216; TOPMed 0.00227; ESP Exome Variant Server 0.00237; 1000 Genomes Project 30x 0.00312; 1000 Genomes Project 0.00319.
gnomAD v4.1: 587 of 1,611,314 alleles (0.036%); highest among the groups gnomAD compares: African/African-American, 0.63%; 5 homozygotes.

Submissions (4):

Blueprint Genetics
Classification: Likely benign. Last evaluated: 2024-11-11. Review status: criteria provided, single submitter. Criteria: ACMG Guidelines, 2015. Collection method: clinical testing. Allele origin: germline.

Labcorp Genetics (formerly Invitae), Labcorp
Classification: Benign. Last evaluated: 2019-12-31. Review status: criteria provided, single submitter. Criteria: Invitae Variant Classification Sherloc (09022015). Collection method: clinical testing. Allele origin: germline.

Breakthrough Genomics
Classification: Benign. Review status: criteria provided, single submitter. Criteria: ACMG Guidelines, 2015. Collection method: not provided. Allele origin: germline. Inheritance: Autosomal dominant inheritance. Affected: yes.

PreventionGenetics, part of Exact Sciences
Classification: Likely benign for CHN1-related condition. Last evaluated: 2019-12-06. Review status: no assertion criteria provided. Collection method: clinical testing. Allele origin: germline. Not counted in ClinVar's aggregate classification.
Comment: This variant is classified as likely benign based on ACMG/AMP sequence variant interpretation guidelines (Richards et al. 2015 PMID: 25741868, with internal and published modifications).

NM_001822.7(CHN1):c.915A>G (p.Val305=)

Gene: CHN1 (chimerin 1; minus strand). Cytogenetic location: 2q31.1.
Variant type: single nucleotide variant.
Coding change: c.915A>G on transcript NM_001822.7 (MANE Select); coding-DNA position 915, A replaced by G.
Protein change: p.Val305=; no amino-acid change (valine 305 retained).
Molecular consequence: synonymous variant. On other transcripts: non-coding transcript variant (1).
Genome position (GRCh38, 1-based): chr2:174,811,560, T>C on the plus strand (A>G on the coding strand, the complement: CHN1 is on the minus strand). VCF-style: chr2-174811560-T-C. GRCh37 (hg19) VCF-style: chr2-175676288-T-C.
Other names: c.837A>G, p.Val279= (NM_001025201.4); c.540A>G, p.Val180= (NM_001206602.2); c.915A>G, p.Val305= (NM_001371513.1); c.966A>G, p.Val322= (NM_001371514.1).
Identifiers: ClinVar variation 727668 (VCV000727668.8), dbSNP rs13398834, ClinGen allele CA1974869.